The following is an entry in ClinVar:

ClinVar aggregate classification (germline): Uncertain significance (1 of 4 stars; one submission).

Allele frequency attached by ClinVar (database versions not stated): gnomAD exomes below 0.00001; ExAC 0.00001.
gnomAD v4.1: 3 of 1,614,204 alleles (0.00019%); highest among the groups gnomAD compares: Non-Finnish European, 0.00017%; no homozygotes.

Submission:

Labcorp Genetics (formerly Invitae), Labcorp
Classification: Uncertain significance. Last evaluated: 2022-06-22. Review status: criteria provided, single submitter. Criteria: Invitae Variant Classification Sherloc (09022015). Collection method: clinical testing. Allele origin: germline.
Comment: This variant is present in population databases (rs780770054, gnomAD 0.01%). This sequence change replaces alanine, which is neutral and non-polar, with serine, which is neutral and polar, at codon 587 of the PCARE protein (p.Ala587Ser). In summary, the available evidence is currently insufficient to determine the role of this variant in disease. Therefore, it has been classified as a Variant of Uncertain Significance. Algorithms developed to predict the effect of missense changes on protein structure and function (SIFT, PolyPhen-2, Align-GVGD) all suggest that this variant is likely to be tolerated. This variant has not been reported in the literature in individuals affected with PCARE-related conditions.

NM_001029883.3(PCARE):c.1759G>T (p.Ala587Ser)

Gene: PCARE (photoreceptor cilium actin regulator; minus strand). Cytogenetic location: 2p23.2.
Variant type: single nucleotide variant.
Coding change: c.1759G>T on transcript NM_001029883.3 (MANE Select); coding-DNA position 1759, G replaced by T.
Protein change: p.Ala587Ser; replaces alanine 587 with serine.
Molecular consequence: missense variant.
Genome position (GRCh38, 1-based): chr2:29,072,503, C>A on the plus strand (G>T on the coding strand, the complement: PCARE is on the minus strand). VCF-style: chr2-29072503-C-A. GRCh37 (hg19) VCF-style: chr2-29295369-C-A.
Other names: short protein forms A587S.
Identifiers: ClinVar variation 2009354 (VCV002009354.4), dbSNP rs780770054, ClinGen allele CA1592360.
Genomic context (GRCh38, chr2:29,072,503, plus strand): 5'-GGTCCTCCACGTGACTCTGGAGACACGACTCTGACTGGGACCTCGTCTGCCTCTCAGGGG[C>A]CCTCCTGCTGCCACTTACCGTGCTAGGTCTTGGGGGGACCACTGTCCTCCCCTCCTCCTC-3'
Protein context (NP_001025054.1, residues 577-597): RPSTVSGSRR[Ala587Ser]PERQTRSQSE